The following is an entry in ClinVar:

ClinVar aggregate classification (germline): Uncertain significance (1 of 4 stars; one submission).

Conditions:
Hereditary cancer-predisposing syndrome. Also called: Hereditary Cancer Syndrome; Neoplastic Syndromes, Hereditary; Tumor predisposition; Hereditary neoplastic syndrome. Identifiers: Orphanet 140162, MedGen C0027672, MeSH D009386, MONDO:0015356.

Allele frequency attached by ClinVar (database versions not stated): gnomAD exomes below 0.00001; TOPMed 0.00001.
gnomAD v4.1: 3 of 1,612,544 alleles (0.00019%); highest among the groups gnomAD compares: Non-Finnish European, 0.00025%; no homozygotes.

Submission:

Ambry Genetics
Classification: Uncertain significance for Hereditary cancer-predisposing syndrome. Last evaluated: 2016-02-05. Review status: criteria provided, single submitter. Criteria: Ambry Variant Classification Scheme 2023. Collection method: clinical testing. Allele origin: germline.
Comment: The p.D235G variant (also known as c.704A>G), located in coding exon 7 of the MRE11A gene, results from an A to G substitution at nucleotide position 704. The aspartic acid at codon 235 is replaced by glycine, an amino acid with similar properties. This variant was not reported in population based cohorts in the following databases: Database of Single Nucleotide Polymorphisms (dbSNP), NHLBI Exome Sequencing Project (ESP), and 1000 Genomes Project. In the ESP, this variant was not observed in 6499 samples (12998 alleles) with coverage at this position. To date, this alteration has been detected with an allele frequency of approximately 0.001% (greater than 120000 alleles tested) in our clinical cohort. This amino acid position is highly conserved in available vertebrate species. In addition, this alteration is predicted to be deleterious by in silico analysis. Since supporting evidence is limited at this time, the clinical significance of this alteration remains unclear.

NM_005591.4(MRE11):c.704A>G (p.Asp235Gly)

Gene: MRE11 (MRE11 double strand break repair nuclease; minus strand). Cytogenetic location: 11q21.
Variant type: single nucleotide variant.
Coding change: c.704A>G on transcript NM_005591.4 (MANE Select); coding-DNA position 704, A replaced by G.
Protein change: p.Asp235Gly; replaces aspartic acid 235 with glycine.
Molecular consequence: missense variant.
Genome position (GRCh38, 1-based): chr11:94,471,715, T>C on the plus strand (A>G on the coding strand, the complement: MRE11 is on the minus strand). VCF-style: chr11-94471715-T-C. GRCh37 (hg19) VCF-style: chr11-94204881-T-C.
Other names: c.704A>G, p.Asp235Gly (NM_001330347.2, NM_005590.4); short protein forms D235G.
Identifiers: ClinVar variation 479735 (VCV000479735.5), dbSNP rs1226604148, ClinGen allele CA382375866.